The following is an entry in ClinVar:

NM_182961.4(SYNE1):c.19927T>C (p.Leu6643=)

Gene: SYNE1 (spectrin repeat containing nuclear envelope protein 1; minus strand). Cytogenetic location: 6q25.2.
Variant type: single nucleotide variant.
Coding change: c.19927T>C on transcript NM_182961.4 (MANE Select); coding-DNA position 19927, T replaced by C.
Protein change: p.Leu6643=; no amino-acid change (leucine 6643 retained).
Molecular consequence: synonymous variant.
Genome position (GRCh38, 1-based): chr6:152,239,673, A>G on the plus strand (T>C on the coding strand, the complement: SYNE1 is on the minus strand). VCF-style: chr6-152239673-A-G. GRCh37 (hg19) VCF-style: chr6-152560808-A-G.
Other names: c.19714T>C, p.Leu6572= (NM_033071.5).
Identifiers: ClinVar variation 282647 (VCV000282647.36), dbSNP rs143118084, ClinGen allele CA4054541.

ClinVar aggregate classification (germline): Conflicting classifications of pathogenicity. Review status: criteria provided, conflicting classifications (1 of 4 stars). 8 submissions from 8 submitters: Uncertain significance (1); Likely benign (5). 2 of the submissions do not count toward it. Last evaluated 2025-05-13.

Conditions:
Autosomal recessive ataxia, Beauce type. Also called: ATAXIA, RECESSIVE, OF BEAUCE; Spinocerebellar ataxia, autosomal recessive 8; SYNE1-Related Autosomal Recessive Cerebellar Ataxia; SYNE1 Deficiency. Identifiers: Orphanet 88644, MedGen C1853116, MONDO:0012549, OMIM 610743.
Emery-Dreifuss muscular dystrophy 4, autosomal dominant (EDMD4). Also called: EMERY-DREIFUSS MUSCULAR DYSTROPHY 4 WITH VARIABLE FEATURES. Identifiers: Orphanet 261, MedGen C2751807, MONDO:0013071, OMIM 612998.

Allele frequency attached by ClinVar (database versions not stated): gnomAD 0.00003 and 0.00021; TOPMed 0.00018; 1000 Genomes Project 0.00020; ExAC 0.00021; gnomAD exomes 0.00028 and 0.00075; 1000 Genomes Project 30x 0.00031; ESP Exome Variant Server 0.00054.
gnomAD v4.1: 1,089 of 1,614,226 alleles (0.067%); highest among the groups gnomAD compares: Non-Finnish European, 0.091%; no homozygotes.

Submissions (8):

Labcorp Genetics (formerly Invitae), Labcorp
Classification: Likely benign for Emery-Dreifuss muscular dystrophy 4, autosomal dominant; Autosomal recessive ataxia, Beauce type. Last evaluated: 2025-05-13. Review status: criteria provided, single submitter. Criteria: Invitae Variant Classification Sherloc (09022015). Collection method: clinical testing. Allele origin: germline.

CeGaT Center for Human Genetics Tuebingen
Classification: Likely benign. Last evaluated: 2025-01-01. Review status: criteria provided, single submitter. Criteria: CeGaT Center For Human Genetics Tuebingen Variant Classification Criteria Version 2. Collection method: clinical testing. Allele origin: germline. Affected: yes. Observed: 1 variant allele.
Comment: SYNE1: BP4, BP7

Blueprint Genetics
Classification: Likely benign. Last evaluated: 2024-11-26. Review status: criteria provided, single submitter. Criteria: ACMG Guidelines, 2015. Collection method: clinical testing. Allele origin: germline.

Athena Diagnostics
Classification: Likely benign. Last evaluated: 2021-02-10. Review status: criteria provided, single submitter. Criteria: Athena Diagnostics criteria. Collection method: clinical testing. Allele origin: unknown.

GeneDx
Classification: Likely benign. Last evaluated: 2019-08-13. Review status: criteria provided, single submitter. Criteria: GeneDx Variant Classification Process June 2021. Collection method: clinical testing. Allele origin: germline. Affected: yes.

Eurofins Ntd Llc (ga)
Classification: Uncertain significance. Last evaluated: 2018-01-24. Review status: criteria provided, single submitter. Criteria: EGL Classification Definitions 2015. Collection method: clinical testing. Allele origin: germline. Observed: 8 variant alleles, 8 heterozygotes.

Clinical Genetics DNA and cytogenetics Diagnostics Lab, Erasmus MC, Erasmus Medical Center
Classification: Likely benign. Review status: no assertion criteria provided. Collection method: clinical testing. Allele origin: germline. Affected: yes. Study: VKGL Data-share Consensus. Not counted in ClinVar's aggregate classification.

Diagnostic Laboratory, Department of Genetics, University Medical Center Groningen
Classification: Likely benign. Review status: no assertion criteria provided. Collection method: clinical testing. Allele origin: germline. Affected: yes. Study: VKGL Data-share Consensus. Not counted in ClinVar's aggregate classification.